The following is an entry in ClinVar:

ClinVar aggregate classification (germline): Uncertain significance. Review status: criteria provided, multiple submitters, no conflicts (2 of 4 stars). 6 submissions from 6 submitters: Uncertain significance (6). Last evaluated 2025-08-01.

Conditions:
Inborn genetic diseases. Identifiers: MedGen C0950123, MeSH D030342.
Cutis laxa with osteodystrophy (ARCL2A). Also called: CUTIS LAXA WITH CONGENITAL DISORDER OF GLYCOSYLATION; CUTIS LAXA, AUTOSOMAL RECESSIVE, TYPE IIA; Debré-Type Cutis Laxa; Autosomal recessive cutis laxa type 2A; CUTIS LAXA WITH BONE DYSTROPHY; CUTIS LAXA WITH GROWTH AND DEVELOPMENTAL DELAY. Identifiers: Orphanet 357058, MedGen C0268355, MONDO:0018163, OMIM 219200. Disease mechanism: loss of function.
Wrinkly skin syndrome (WSS). Also called: Type of Gerodermia osteodysplastica. Identifiers: Orphanet 2834, MedGen C0406587, MONDO:0010208, OMIM 278250.
ALG9 congenital disorder of glycosylation (CDG1L). Also called: ALG9-CDG; CDG Il; CONGENITAL DISORDER OF GLYCOSYLATION, TYPE Il. Identifiers: Orphanet 79328, MedGen C2931006, MONDO:0012117, OMIM 608776.

Allele frequency attached by ClinVar (database versions not stated): ExAC 0.00001; gnomAD 0.00001; gnomAD exomes 0.00001 and 0.00002; TOPMed 0.00002.
gnomAD v4.1: 25 of 1,614,080 alleles (0.0015%); highest among the groups gnomAD compares: Non-Finnish European, 0.002%; no homozygotes.

Submissions (6):

Ambry Genetics
Classification: Uncertain significance for Inborn genetic diseases. Last evaluated: 2025-08-01. Review status: criteria provided, single submitter. Criteria: Ambry Variant Classification Scheme 2023. Collection method: clinical testing. Allele origin: germline.

Labcorp Genetics (formerly Invitae), Labcorp
Classification: Uncertain significance for ALG9 congenital disorder of glycosylation. Last evaluated: 2022-05-29. Review status: criteria provided, single submitter. Criteria: Invitae Variant Classification Sherloc (09022015). Collection method: clinical testing. Allele origin: germline.
Comment: In summary, the available evidence is currently insufficient to determine the role of this variant in disease. Therefore, it has been classified as a Variant of Uncertain Significance. Algorithms developed to predict the effect of missense changes on protein structure and function output the following: SIFT: "Tolerated"; PolyPhen-2: "Benign"; Align-GVGD: "Class C0". The asparagine amino acid residue is found in multiple mammalian species, which suggests that this missense change does not adversely affect protein function. ClinVar contains an entry for this variant (Variation ID: 872301). This variant has not been reported in the literature in individuals affected with ATP6V0A2-related conditions. This variant is present in population databases (rs777130500, gnomAD 0.003%). This sequence change replaces aspartic acid, which is acidic and polar, with asparagine, which is neutral and polar, at codon 706 of the ATP6V0A2 protein (p.Asp706Asn).

GeneDx
Classification: Uncertain significance. Last evaluated: 2022-04-27. Review status: criteria provided, single submitter. Criteria: GeneDx Variant Classification Process June 2021. Collection method: clinical testing. Allele origin: germline. Affected: yes.
Comment: Not observed at a significant frequency in large population cohorts (gnomAD)

Fulgent Genetics
Classification: Uncertain significance for Cutis laxa with osteodystrophy; Wrinkly skin syndrome. Last evaluated: 2021-09-02. Review status: criteria provided, single submitter. Criteria: ACMG Guidelines, 2015. Collection method: clinical testing. Allele origin: unknown.

CeGaT Center for Human Genetics Tuebingen
Classification: Uncertain significance. Last evaluated: 2019-10-01. Review status: criteria provided, single submitter. Criteria: CeGaT Center For Human Genetics Tuebingen Variant Classification Criteria Version 2. Collection method: clinical testing. Allele origin: germline. Affected: yes. Observed: 1 variant allele.

Illumina Laboratory Services, Illumina
Classification: Uncertain significance for Cutis laxa with osteodystrophy. Last evaluated: 2018-01-13. Review status: criteria provided, single submitter. Criteria: ICSL Variant Classification Criteria 13 December 2019. Collection method: clinical testing. Allele origin: germline.

NM_012463.4(ATP6V0A2):c.2116G>A (p.Asp706Asn)

Gene: ATP6V0A2 (ATPase H+ transporting V0 subunit a2; plus strand). Cytogenetic location: 12q24.31.
Variant type: single nucleotide variant.
Coding change: c.2116G>A on transcript NM_012463.4 (MANE Select); coding-DNA position 2116, G replaced by A.
Protein change: p.Asp706Asn; replaces aspartic acid 706 with asparagine.
Molecular consequence: missense variant.
Genome position (GRCh38, 1-based): chr12:123,752,343, G>A. VCF-style: chr12-123752343-G-A. GRCh37 (hg19) VCF-style: chr12-124236890-G-A.
Other names: short protein forms D706N.
Identifiers: ClinVar variation 872301 (VCV000872301.53), dbSNP rs777130500, ClinGen allele CA6862138.